The following is an entry in ClinVar:

NC_000011.9:g.(?_2591848)_(2683321_?)del

Genes: KCNQ1 (potassium voltage-gated channel subfamily Q member 1; plus strand), KCNQ1OT1 (KCNQ1 opposite strand/antisense transcript 1; minus strand). Cytogenetic location: 11p15.5.
Variant type: Deletion.
Identifiers: ClinVar variation 1459721 (VCV001459721.8).

ClinVar aggregate classification (germline): Pathogenic (1 of 4 stars; one submission).

Conditions:
Long QT syndrome (LQTS). Identifiers: MedGen C0023976, MeSH D008133, MONDO:0002442. Disease mechanism: loss of function. Inheritance: Various modes of inheritance.

Submission:

Labcorp Genetics (formerly Invitae), Labcorp
Classification: Pathogenic for Long QT syndrome. Last evaluated: 2021-08-05. Review status: criteria provided, single submitter. Criteria: Invitae Variant Classification Sherloc (09022015). Collection method: clinical testing. Allele origin: germline.
Comment: This variant has not been reported in the literature in individuals with KCNQ1-related conditions. For these reasons, this variant has been classified as Pathogenic. This variant is a gross deletion of the genomic region encompassing exon(s) 3-11 of the KCNQ1 gene. This deletion is out-of-frame, and is expected to create a premature translational stop signal and result in an absent or disrupted protein product. Loss-of-function variants in KCNQ1 are known to be pathogenic (PMID: 9323054, 19862833).

Literature cited by the submitters: PubMed 9323054; PubMed 19862833.